The following is an entry in ClinVar:

ClinVar aggregate classification (germline): Uncertain significance. Review status: criteria provided, multiple submitters, no conflicts (2 of 4 stars). 2 submissions from 2 submitters: Uncertain significance (2). Last evaluated 2022-11-29.

Conditions:
Hereditary cancer-predisposing syndrome. Also called: Tumor predisposition; Hereditary neoplastic syndrome; Hereditary Cancer Syndrome; Neoplastic Syndromes, Hereditary. Identifiers: Orphanet 140162, MedGen C0027672, MeSH D009386, MONDO:0015356.
Hereditary nonpolyposis colorectal neoplasms. Identifiers: MedGen C0009405, MeSH D003123.

Submissions (2):

Labcorp Genetics (formerly Invitae), Labcorp
Classification: Uncertain significance for Hereditary nonpolyposis colorectal neoplasms. Last evaluated: 2022-11-29. Review status: criteria provided, single submitter. Criteria: Invitae Variant Classification Sherloc (09022015). Collection method: clinical testing. Allele origin: germline.
Comment: This sequence change replaces aspartic acid, which is acidic and polar, with valine, which is neutral and non-polar, at codon 222 of the MSH6 protein (p.Asp222Val). This variant is not present in population databases (gnomAD no frequency). This missense change has been observed in individual(s) with clinical features of MSH6-related conditions (PMID: 21520333). ClinVar contains an entry for this variant (Variation ID: 577305). Advanced modeling of protein sequence and biophysical properties (such as structural, functional, and spatial information, amino acid conservation, physicochemical variation, residue mobility, and thermodynamic stability) performed at Invitae indicates that this missense variant is not expected to disrupt MSH6 protein function. In summary, the available evidence is currently insufficient to determine the role of this variant in disease. Therefore, it has been classified as a Variant of Uncertain Significance.

Ambry Genetics
Classification: Uncertain significance for Hereditary cancer-predisposing syndrome. Last evaluated: 2021-05-05. Review status: criteria provided, single submitter. Criteria: Ambry Variant Classification Scheme 2023. Collection method: clinical testing. Allele origin: germline.
Comment: The p.D222V variant (also known as c.665A>T), located in coding exon 4 of the MSH6 gene, results from an A to T substitution at nucleotide position 665. The aspartic acid at codon 222 is replaced by valine, an amino acid with highly dissimilar properties. This amino acid position is poorly conserved in available vertebrate species. In addition, this alteration is predicted to be tolerated by in silico analysis. Since supporting evidence is limited at this time, the clinical significance of this alteration remains unclear.

Literature cited by the submitters: PubMed 21520333 (cited by Labcorp Genetics (formerly Invitae), Labcorp).

NM_000179.3(MSH6):c.665A>T (p.Asp222Val)

Gene: MSH6 (mutS homolog 6; plus strand). Cytogenetic location: 2p16.3.
Variant type: single nucleotide variant.
Coding change: c.665A>T on transcript NM_000179.3 (MANE Select); coding-DNA position 665, A replaced by T.
Protein change: p.Asp222Val; replaces aspartic acid 222 with valine.
Molecular consequence: missense variant. On other transcripts: 5 prime UTR variant (2).
Genome position (GRCh38, 1-based): chr2:47,798,648, A>T. VCF-style: chr2-47798648-A-T. GRCh37 (hg19) VCF-style: chr2-48025787-A-T.
Other names: c.275A>T, p.Asp92Val (NM_001281492.2); c.-242A>T (NM_001281493.2, NM_001281494.2); short protein forms D222V, D92V.
Identifiers: ClinVar variation 577305 (VCV000577305.12), dbSNP rs750827951, ClinGen allele CA346739386.